The following is an entry in ClinVar:

NM_015631.6(TCTN3):c.1819_1820del (p.Met607fs)

Gene: TCTN3 (tectonic family member 3; minus strand). Cytogenetic location: 10q24.1.
Variant type: Deletion.
Coding change: c.1819_1820del on transcript NM_015631.6 (MANE Select); coding-DNA positions 1819 to 1820, 2 bases deleted (AT; older notation c.1819_1820delAT).
Protein change: p.Met607fs; shifts the reading frame from methionine 607.
Molecular consequence: frameshift variant.
Genome position (GRCh38, 1-based): chr10:95,664,071-95,664,072, AT deleted on the plus strand (AT on the coding strand, the reverse complement: TCTN3 is on the minus strand); deleting any 2 consecutive bases within chr10:95,664,071-95,664,073 gives the same sequence; the c. name uses the placement nearest the transcript's 3' end. VCF-style (leftmost placement, unchanged base first): chr10-95664070-CAT-C. GRCh37 (hg19) VCF-style: chr10-97423827-CAT-C.
Other names: c.1872_1873delTA, p.Met625Valfs (NM_001013840.1); c.1375_1376del, p.Met459fs (NM_001143973.2); c.1722_1723delTA, p.Met575Valfs (NM_001410982.1); short protein forms M607fs, M459fs.
Identifiers: ClinVar variation 2053634 (VCV002053634.3), dbSNP rs1371026167, ClinGen allele CA595639358.

ClinVar aggregate classification (germline): Uncertain significance. Review status: criteria provided, multiple submitters, no conflicts (2 of 4 stars). 2 submissions from 2 submitters: Uncertain significance (2). Last evaluated 2022-06-29.

Conditions:
Orofacial-digital syndrome IV (OFD4). Also called: BARAITSER-BURN SYNDROME; MOHR-MAJEWSKI SYNDROME; Orofaciodigital syndrome IV; OFD SYNDROME WITH TIBIAL DEFECTS; OFD SYNDROME, BARAITSER-BURN TYPE; OFDS IV. Identifiers: Orphanet 2753, MedGen C0406727, MONDO:0009794, OMIM 258860.
Joubert syndrome 18 (JBTS18). Identifiers: Orphanet 2754, MedGen C3553758, MONDO:0013896, OMIM 614815.

Submissions (2):

Labcorp Genetics (formerly Invitae), Labcorp
Classification: Uncertain significance for Joubert syndrome 18; Orofacial-digital syndrome IV. Last evaluated: 2022-06-29. Review status: criteria provided, single submitter. Criteria: Invitae Variant Classification Sherloc (09022015). Collection method: clinical testing. Allele origin: germline.
Comment: In summary, the available evidence is currently insufficient to determine the role of this variant in disease. Therefore, it has been classified as a Variant of Uncertain Significance. Experimental studies and prediction algorithms are not available or were not evaluated, and the functional significance of this variant is currently unknown. This variant has not been reported in the literature in individuals affected with TCTN3-related conditions. This variant is present in population databases (no rsID available, gnomAD 0.01%). This sequence change results in a frameshift in the TCTN3 gene (p.Met607Valfs*6). While this is not anticipated to result in nonsense mediated decay, it is expected to disrupt the last 1 amino acid(s) of the TCTN3 protein and extend the protein by 4 additional amino acid residues.

Blueprint Genetics
Classification: Uncertain significance. Last evaluated: 2019-12-23. Review status: criteria provided, single submitter. Criteria: ACMG Guidelines, 2015. Collection method: clinical testing. Allele origin: germline.